The following is an entry in ClinVar:

ClinVar aggregate classification (germline): Uncertain significance. Review status: criteria provided, multiple submitters, no conflicts (2 of 4 stars). 3 submissions from 3 submitters: Uncertain significance (3). Last evaluated 2022-02-03.

Conditions:
Neuronal ceroid lipofuscinosis. Also called: Neuronal Ceroid Lipofuscinoses. Identifiers: Orphanet 216, Orphanet 79263, MedGen C0027877, MONDO:0016295. Disease mechanism: loss of function.
Neuronal ceroid lipofuscinosis 3 (CLN3). Identifiers: Orphanet 228346, MedGen C0751383, MONDO:0008767, OMIM 204200.

gnomAD v4.1: 17 of 1,612,934 alleles (0.0011%); highest among the groups gnomAD compares: Non-Finnish European, 0.0014%; no homozygotes.

Submissions (3):

Labcorp Genetics (formerly Invitae), Labcorp
Classification: Uncertain significance for Neuronal ceroid lipofuscinosis. Last evaluated: 2022-02-03. Review status: criteria provided, single submitter. Criteria: Invitae Variant Classification Sherloc (09022015). Collection method: clinical testing. Allele origin: germline.
Comment: This sequence change replaces serine, which is neutral and polar, with tryptophan, which is neutral and slightly polar, at codon 69 of the CLN3 protein (p.Ser69Trp). This variant is not present in population databases (gnomAD no frequency). This variant has not been reported in the literature in individuals affected with CLN3-related conditions. ClinVar contains an entry for this variant (Variation ID: 884834). Algorithms developed to predict the effect of missense changes on protein structure and function are either unavailable or do not agree on the potential impact of this missense change (SIFT: "Deleterious"; PolyPhen-2: "Probably Damaging"; Align-GVGD: "Class C0"). In summary, the available evidence is currently insufficient to determine the role of this variant in disease. Therefore, it has been classified as a Variant of Uncertain Significance.

Genome-Nilou Lab
Classification: Uncertain significance for Neuronal ceroid lipofuscinosis 3. Last evaluated: 2021-09-05. Review status: criteria provided, single submitter. Criteria: ACMG Guidelines, 2015. Collection method: clinical testing. Allele origin: germline. Affected: no.

Illumina Laboratory Services, Illumina
Classification: Uncertain significance for Neuronal ceroid lipofuscinosis 3. Last evaluated: 2017-04-27. Review status: criteria provided, single submitter. Criteria: ICSL Variant Classification Criteria 13 December 2019. Collection method: clinical testing. Allele origin: germline.

NM_001042432.2(CLN3):c.206C>G (p.Ser69Trp)

Gene: CLN3 (CLN3 lysosomal/endosomal transmembrane protein, battenin; minus strand). Cytogenetic location: 16p12.1.
Variant type: single nucleotide variant.
Coding change: c.206C>G on transcript NM_001042432.2 (MANE Select); coding-DNA position 206, C replaced by G.
Protein change: p.Ser69Trp; replaces serine 69 with tryptophan.
Molecular consequence: missense variant. On other transcripts: 5 prime UTR variant (1).
Genome position (GRCh38, 1-based): chr16:28,489,306, G>C on the plus strand (C>G on the coding strand, the complement: CLN3 is on the minus strand). VCF-style: chr16-28489306-G-C. GRCh37 (hg19) VCF-style: chr16-28500627-G-C.
Other names: c.206C>G, p.Ser69Trp (NM_000086.2, NM_001286104.2); c.-15C>G (NM_001286105.2); c.44C>G, p.Ser15Trp (NM_001286109.2, NM_001286110.2); short protein forms S15W, S69W.
Identifiers: ClinVar variation 884834 (VCV000884834.12), dbSNP rs769840061, ClinGen allele CA395346412.